The following is an entry in ClinVar:

ClinVar aggregate classification (germline): Uncertain significance. Review status: criteria provided, multiple submitters, no conflicts (2 of 4 stars). 3 submissions from 3 submitters: Uncertain significance (3). Last evaluated 2026-07-28.

Conditions:
RP2-related disorder. Also called: RP2-related condition.

Allele frequency attached by ClinVar (database versions not stated): gnomAD exomes 0.00001 and 0.00005; TOPMed 0.00001.

Submissions (3):

PreventionGenetics, part of Exact Sciences
Classification: Uncertain significance for RP2-related condition. Last evaluated: 2026-07-28. Review status: criteria provided, single submitter. Criteria: ACMG Guidelines, 2015. Collection method: clinical testing. Allele origin: germline.
Comment: The RP2 c.535C>T variant is predicted to result in the amino acid substitution p.Pro179Ser. This variant has been reported in an individual with retinitis pigmentosa or retinal disease (Karali et al. 2022. PubMed ID: 36460718; Table S1, Schlottmann et al. 2023. PubMed ID: 37217489). This variant is reported in 0.0024% of alleles in individuals of European (Non-Finnish) descent in gnomAD. At this time, the clinical significance of this variant is uncertain due to the absence of conclusive functional and genetic evidence.

Labcorp Genetics (formerly Invitae), Labcorp
Classification: Uncertain significance. Last evaluated: 2025-05-12. Review status: criteria provided, single submitter. Criteria: Invitae Variant Classification Sherloc (09022015). Collection method: clinical testing. Allele origin: germline.
Comment: This sequence change replaces proline, which is neutral and non-polar, with serine, which is neutral and polar, at codon 179 of the RP2 protein (p.Pro179Ser). This variant is present in population databases (no rsID available, gnomAD 0.002%). This missense change has been observed in individual(s) with RP2-related conditions (PMID: 36460718, 37217489). ClinVar contains an entry for this variant (Variation ID: 1408342). Invitae Evidence Modeling of protein sequence and biophysical properties (such as structural, functional, and spatial information, amino acid conservation, physicochemical variation, residue mobility, and thermodynamic stability) has been performed for this missense variant. However, the output from this modeling did not meet the statistical confidence thresholds required to predict the impact of this variant on RP2 protein function. In summary, the available evidence is currently insufficient to determine the role of this variant in disease. Therefore, it has been classified as a Variant of Uncertain Significance.

Blueprint Genetics
Classification: Uncertain significance. Last evaluated: 2024-03-15. Review status: criteria provided, single submitter. Criteria: ACMG Guidelines, 2015. Collection method: clinical testing. Allele origin: germline.

Literature cited by the submitters: PubMed 36460718 (cited by Labcorp Genetics (formerly Invitae), Labcorp); PubMed 37217489 (cited by Labcorp Genetics (formerly Invitae), Labcorp).

NM_006915.3(RP2):c.535C>T (p.Pro179Ser)

Gene: RP2 (RP2 activator of ARL3 GTPase; plus strand). Cytogenetic location: Xp11.3.
Variant type: single nucleotide variant.
Coding change: c.535C>T on transcript NM_006915.3 (MANE Select); coding-DNA position 535, C replaced by T.
Protein change: p.Pro179Ser; replaces proline 179 with serine.
Molecular consequence: missense variant.
Genome position (GRCh38, 1-based): chrX:46,853,908, C>T. VCF-style: chrX-46853908-C-T. GRCh37 (hg19) VCF-style: chrX-46713343-C-T.
Other names: c.535C>T (NM_006915.2); short protein forms P179S.
Identifiers: ClinVar variation 1408342 (VCV001408342.8), dbSNP rs1556318673, ClinGen allele CA413040160.
Genomic context (GRCh38, chrX:46,853,908, plus strand): 5'-TTCAAAGATGCAGGGCTAAGTATCTTCAACAATACATGGAGTAACATTCATGACTTTACA[C>T]CTGTGTCAGGAGAACTCAACTGGAGCCTTCTTCCAGAAGATGCTGTGGTTCAGGACTATG-3'
Protein context (NP_008846.2, residues 169-189): NTWSNIHDFT[Pro179Ser]VSGELNWSLL